The following is an entry in ClinVar:

ClinVar aggregate classification (germline): Uncertain significance (1 of 4 stars; one submission).

Allele frequency attached by ClinVar (database versions not stated): TOPMed below 0.00001; ExAC 0.00001; gnomAD 0.00001; gnomAD exomes 0.00001.
gnomAD v4.1: 18 of 1,614,108 alleles (0.0011%); highest among the groups gnomAD compares: South Asian, 0.014%; no homozygotes.

Submission:

Labcorp Genetics (formerly Invitae), Labcorp
Classification: Uncertain significance. Last evaluated: 2022-06-14. Review status: criteria provided, single submitter. Criteria: Invitae Variant Classification Sherloc (09022015). Collection method: clinical testing. Allele origin: germline.
Comment: In summary, the available evidence is currently insufficient to determine the role of this variant in disease. Therefore, it has been classified as a Variant of Uncertain Significance. Algorithms developed to predict the effect of missense changes on protein structure and function output the following: SIFT: "Tolerated"; PolyPhen-2: "Benign"; Align-GVGD: "Class C0". The valine amino acid residue is found in multiple mammalian species, which suggests that this missense change does not adversely affect protein function. This variant has not been reported in the literature in individuals affected with CCDC88A-related conditions. This variant is present in population databases (rs746798676, gnomAD 0.003%). This sequence change replaces isoleucine, which is neutral and non-polar, with valine, which is neutral and non-polar, at codon 1642 of the CCDC88A protein (p.Ile1642Val).

NM_001365480.1(CCDC88A):c.4927A>G (p.Ile1643Val)

Gene: CCDC88A (coiled-coil and HOOK domain protein 88A; minus strand). Cytogenetic location: 2p16.1.
Variant type: single nucleotide variant.
Coding change: c.4927A>G on transcript NM_001365480.1 (MANE Select); coding-DNA position 4927, A replaced by G.
Protein change: p.Ile1643Val; replaces isoleucine 1643 with valine.
Molecular consequence: missense variant.
Genome position (GRCh38, 1-based): chr2:55,296,422, T>C on the plus strand (A>G on the coding strand, the complement: CCDC88A is on the minus strand). VCF-style: chr2-55296422-T-C. GRCh37 (hg19) VCF-style: chr2-55523558-T-C.
Other names: c.4924A>G, p.Ile1642Val (NM_001135597.2, NM_001254943.2); c.4843A>G, p.Ile1615Val (NM_018084.5); short protein forms I1642V, I1615V, I1643V.
Identifiers: ClinVar variation 1933510 (VCV001933510.5), dbSNP rs746798676, ClinGen allele CA1665431.